The following is an entry in ClinVar:

NM_000255.4(MMUT):c.430C>T (p.Arg144Cys)

Gene: MMUT (methylmalonyl-CoA mutase; minus strand). Cytogenetic location: 6p12.3.
Variant type: single nucleotide variant.
Coding change: c.430C>T on transcript NM_000255.4 (MANE Select); coding-DNA position 430, C replaced by T.
Protein change: p.Arg144Cys; replaces arginine 144 with cysteine.
Molecular consequence: missense variant.
Genome position (GRCh38, 1-based): chr6:49,458,014, G>A on the plus strand (C>T on the coding strand, the complement: MMUT is on the minus strand). VCF-style: chr6-49458014-G-A. GRCh37 (hg19) VCF-style: chr6-49425727-G-A.
Other names: c.430C>T (NM_000255.3); short protein forms R144C.
Identifiers: ClinVar variation 2124741 (VCV002124741.28), dbSNP rs2481347735, ClinGen allele CA364404743.

ClinVar aggregate classification (germline): Conflicting classifications of pathogenicity. Review status: criteria provided, conflicting classifications (1 of 4 stars). 2 submissions from 2 submitters: Pathogenic (1); Uncertain significance (1). Last evaluated 2023-04-27.

Conditions:
Methylmalonic aciduria due to methylmalonyl-CoA mutase deficiency (MAMM). Also called: Methylmalonic aciduria, mut type. Identifiers: Orphanet 27, MedGen C1855114, MONDO:0009612, OMIM 251000.

gnomAD v4.1: 4 of 1,603,444 alleles (0.00025%); highest among the groups gnomAD compares: Non-Finnish European, 0.00034%; no homozygotes.

Submissions (2):

Neurometabolic Diseases Laboratory, Bellvitge Biomedical Research Institute (IDIBELL)
Classification: Pathogenic for Methylmalonic aciduria due to methylmalonyl-CoA mutase deficiency. Last evaluated: 2023-04-27. Review status: criteria provided, single submitter. Criteria: ACMG Guidelines, 2015. Collection method: research. Allele origin: germline. Affected: yes.

Labcorp Genetics (formerly Invitae), Labcorp
Classification: Uncertain significance. Last evaluated: 2022-04-11. Review status: criteria provided, single submitter. Criteria: Invitae Variant Classification Sherloc (09022015). Collection method: clinical testing. Allele origin: germline.
Comment: This sequence change replaces arginine, which is basic and polar, with cysteine, which is neutral and slightly polar, at codon 144 of the MUT protein (p.Arg144Cys). This variant is not present in population databases (gnomAD no frequency). This variant has not been reported in the literature in individuals affected with MUT-related conditions. Algorithms developed to predict the effect of missense changes on protein structure and function are either unavailable or do not agree on the potential impact of this missense change (SIFT: "Deleterious"; PolyPhen-2: "Possibly Damaging"; Align-GVGD: "Class C0"). In summary, the available evidence is currently insufficient to determine the role of this variant in disease. Therefore, it has been classified as a Variant of Uncertain Significance.